The following is an entry in ClinVar:

ClinVar aggregate classification (germline): Uncertain significance. Review status: criteria provided, multiple submitters, no conflicts (2 of 4 stars). 2 submissions from 2 submitters: Uncertain significance (2). Last evaluated 2025-05-26.

Conditions:
Inborn genetic diseases. Identifiers: MedGen C0950123, MeSH D030342.

Allele frequency attached by ClinVar (database versions not stated): 1000 Genomes Project 30x 0.00016; 1000 Genomes Project 0.00020; gnomAD exomes below 0.00001 and 0.00002; ExAC 0.00003; gnomAD 0.00004 and 0.00005; TOPMed 0.00005.
gnomAD v4.1: 9 of 1,613,842 alleles (0.00056%); highest among the groups gnomAD compares: African/African-American, 0.012%; no homozygotes.

Submissions (2):

Ambry Genetics
Classification: Uncertain significance for Inborn genetic diseases. Last evaluated: 2025-05-26. Review status: criteria provided, single submitter. Criteria: Ambry Variant Classification Scheme 2023. Collection method: clinical testing. Allele origin: germline.

Labcorp Genetics (formerly Invitae), Labcorp
Classification: Uncertain significance. Last evaluated: 2022-06-20. Review status: criteria provided, single submitter. Criteria: Invitae Variant Classification Sherloc (09022015). Collection method: clinical testing. Allele origin: germline.
Comment: This variant has not been reported in the literature in individuals affected with OBSL1-related conditions. Algorithms developed to predict the effect of missense changes on protein structure and function are either unavailable or do not agree on the potential impact of this missense change (SIFT: "Deleterious"; PolyPhen-2: "Probably Damaging"; Align-GVGD: "Class C0"). In summary, the available evidence is currently insufficient to determine the role of this variant in disease. Therefore, it has been classified as a Variant of Uncertain Significance. This variant is present in population databases (rs199707413, gnomAD 0.03%). This sequence change replaces phenylalanine, which is neutral and non-polar, with serine, which is neutral and polar, at codon 1648 of the OBSL1 protein (p.Phe1648Ser).

NM_015311.3(OBSL1):c.4943T>C (p.Phe1648Ser)

Gene: OBSL1 (obscurin like cytoskeletal adaptor 1; minus strand). Cytogenetic location: 2q35.
Variant type: single nucleotide variant.
Coding change: c.4943T>C on transcript NM_015311.3 (MANE Select); coding-DNA position 4943, T replaced by C.
Protein change: p.Phe1648Ser; replaces phenylalanine 1648 with serine.
Molecular consequence: missense variant.
Genome position (GRCh38, 1-based): chr2:219,553,620, A>G on the plus strand (T>C on the coding strand, the complement: OBSL1 is on the minus strand). VCF-style: chr2-219553620-A-G. GRCh37 (hg19) VCF-style: chr2-220418342-A-G.
Other names: c.4943T>C (NM_015311.2); short protein forms F1648S.
Identifiers: ClinVar variation 1390053 (VCV001390053.9), dbSNP rs199707413, ClinGen allele CA2130368.
Genomic context (GRCh38, chr2:219,553,620, plus strand): 5'-GGCTGGGATCTGACCTTCTCCCAGGTAACATCAGCCAAAGCTTGGGAAAGCTCGCACTCG[A>G]ACGTAGCTGTGTCGCCCTCGGTCACCTCTAGGTCGTGTGGCCCCCGCACGATGGTCACTG-3'
Protein context (NP_056126.1, residues 1638-1658): LEVTEGDTAT[Phe1648Ser]ECELSQALAD